The following is an entry in ClinVar:

NM_053025.4(MYLK):c.1742A>G (p.Tyr581Cys)

Gene: MYLK (myosin light chain kinase; minus strand). Cytogenetic location: 3q21.1.
Variant type: single nucleotide variant.
Coding change: c.1742A>G on transcript NM_053025.4 (MANE Select); coding-DNA position 1742, A replaced by G.
Protein change: p.Tyr581Cys; replaces tyrosine 581 with cysteine.
Molecular consequence: missense variant.
Genome position (GRCh38, 1-based): chr3:123,722,190, T>C on the plus strand (A>G on the coding strand, the complement: MYLK is on the minus strand). VCF-style: chr3-123722190-T-C. GRCh37 (hg19) VCF-style: chr3-123441037-T-C.
Other names: c.1214A>G, p.Tyr405Cys (NM_001321309.2); c.1535A>G, p.Tyr512Cys (NM_053026.4, NM_053028.4); c.1742A>G, p.Tyr581Cys (NM_053027.4); short protein forms Y405C, Y512C, Y581C.
Identifiers: ClinVar variation 4743668 (VCV004743668.1).
Genomic context (GRCh38, chr3:123,722,190, plus strand): 5'-TGGACGGTGACCCAGGCGCTGCAGGACACCTGCCCCAAGGCATTCTCAGCTAGGCAGGTG[T>C]AGGTGCCATGGTCCTCCGGCAGGGCATCCTGGATGTGGAGCTCAGCCACGCCGGCCTCGC-3'
Protein context (NP_444253.3, residues 571-591): QDALPEDHGT[Tyr581Cys]TCLAENALGQ

ClinVar aggregate classification (germline): Uncertain significance (1 of 4 stars; one submission).

Conditions:
Aortic aneurysm, familial thoracic 7 (AAT7). Also called: AORTIC DISSECTION, FAMILIAL, WITH OR WITHOUT AORTIC ANEURYSM. Identifiers: MedGen C3151077, MONDO:0013418, OMIM 613780.

Submission:

Labcorp Genetics (formerly Invitae), Labcorp
Classification: Uncertain significance for Aortic aneurysm, familial thoracic 7. Last evaluated: 2025-09-11. Review status: criteria provided, single submitter. Criteria: Invitae Variant Classification Sherloc (09022015). Collection method: clinical testing. Allele origin: germline.
Comment: This sequence change replaces tyrosine, which is neutral and polar, with cysteine, which is neutral and slightly polar, at codon 581 of the MYLK protein (p.Tyr581Cys). This variant is not present in population databases (gnomAD no frequency). This variant has not been reported in the literature in individuals affected with MYLK-related conditions. Invitae Evidence Modeling of protein sequence and biophysical properties (such as structural, functional, and spatial information, amino acid conservation, physicochemical variation, residue mobility, and thermodynamic stability) has been performed for this missense variant. However, the output from this modeling did not meet the statistical confidence thresholds required to predict the impact of this variant on MYLK protein function. In summary, the available evidence is currently insufficient to determine the role of this variant in disease. Therefore, it has been classified as a Variant of Uncertain Significance.